The following is an entry in ClinVar:

NM_000103.4(CYP19A1):c.502del (p.Leu168fs)

Genes: CYP19A1 (cytochrome P450 family 19 subfamily A member 1; minus strand), MIR4713HG (MIR4713 host gene; plus strand), PIRC66 (piwi-interacting RNA cluster 66; plus strand). Cytogenetic location: 15q21.2.
Variant type: Deletion.
Coding change: c.502del on transcript NM_000103.4 (MANE Select); coding-DNA position 502, one base deleted (C; older notation c.502delC).
Protein change: p.Leu168fs; shifts the reading frame from leucine 168.
Molecular consequence: frameshift variant.
Genome position (GRCh38, 1-based): chr15:51,222,475, G deleted on the plus strand (C on the coding strand, the reverse complement: CYP19A1 is on the minus strand); the first of 3 consecutive G bases (chr15:51,222,475-51,222,477); deleting any one gives the same sequence. VCF-style (leftmost placement, unchanged base first): chr15-51222474-AG-A. GRCh37 (hg19) VCF-style: chr15-51514671-AG-A.
Other names: c.502del, p.Leu168fs (NM_001347248.1, NM_001347249.2, NM_001347250.2 and 7 more transcripts); short protein forms L168fs.
Identifiers: ClinVar variation 1436281 (VCV001436281.6), dbSNP rs752116741, ClinGen allele CA7560039.

ClinVar aggregate classification (germline): Pathogenic (1 of 4 stars; one submission).

Submission:

Labcorp Genetics (formerly Invitae), Labcorp
Classification: Pathogenic. Last evaluated: 2022-03-18. Review status: criteria provided, single submitter. Criteria: Invitae Variant Classification Sherloc (09022015). Collection method: clinical testing. Allele origin: germline.
Comment: This sequence change creates a premature translational stop signal (p.Leu168Serfs*11) in the CYP19A1 gene. It is expected to result in an absent or disrupted protein product. Loss-of-function variants in CYP19A1 are known to be pathogenic (PMID: 14602738, 27086564, 27256151). This variant is present in population databases (rs752116741, gnomAD 0.007%). This variant has not been reported in the literature in individuals affected with CYP19A1-related conditions. For these reasons, this variant has been classified as Pathogenic.

Literature cited by the submitters: PubMed 14602738; PubMed 27086564; PubMed 27256151.